The following is an entry in ClinVar:

ClinVar aggregate classification (germline): Uncertain significance (1 of 4 stars; one submission).

Conditions:
Mitochondrial hypertrophic cardiomyopathy with lactic acidosis due to MTO1 deficiency. Also called: CARDIOMYOPATHY, INFANTILE HYPERTROPHIC MITOCHONDRIAL, AND LACTIC ACIDOSIS; Combined oxidative phosphorylation deficiency 10. Identifiers: Orphanet 314637, MedGen C4749921, MONDO:0013865, OMIM 614702.

Allele frequency attached by ClinVar (database versions not stated): gnomAD exomes below 0.00001; ExAC 0.00001; gnomAD 0.00001.
gnomAD v4.1: 6 of 1,613,990 alleles (0.00037%); highest among the groups gnomAD compares: Non-Finnish European, 0.00042%; no homozygotes.

Submission:

Labcorp Genetics (formerly Invitae), Labcorp
Classification: Uncertain significance for Mitochondrial hypertrophic cardiomyopathy with lactic acidosis due to MTO1 deficiency. Last evaluated: 2021-12-19. Review status: criteria provided, single submitter. Criteria: Invitae Variant Classification Sherloc (09022015). Collection method: clinical testing. Allele origin: germline.
Comment: In summary, the available evidence is currently insufficient to determine the role of this variant in disease. Therefore, it has been classified as a Variant of Uncertain Significance. Algorithms developed to predict the effect of missense changes on protein structure and function (SIFT, PolyPhen-2, Align-GVGD) all suggest that this variant is likely to be tolerated. This variant has not been reported in the literature in individuals affected with MTO1-related conditions. This variant is present in population databases (rs747751803, gnomAD 0.0009%). This sequence change replaces glutamine, which is neutral and polar, with glutamic acid, which is acidic and polar, at codon 151 of the MTO1 protein (p.Gln151Glu).

NM_012123.4(MTO1):c.451C>G (p.Gln151Glu)

Gene: MTO1 (mitochondrial tRNA translation optimization 1; plus strand). Cytogenetic location: 6q13.
Variant type: single nucleotide variant.
Coding change: c.451C>G on transcript NM_012123.4 (MANE Select); coding-DNA position 451, C replaced by G.
Protein change: p.Gln151Glu; replaces glutamine 151 with glutamic acid.
Molecular consequence: missense variant.
Genome position (GRCh38, 1-based): chr6:73,466,522, C>G. VCF-style: chr6-73466522-C-G. GRCh37 (hg19) VCF-style: chr6-74176245-C-G.
Other names: c.451C>G, p.Gln151Glu (NM_001123226.2, NM_133645.3); short protein forms Q151E.
Identifiers: ClinVar variation 1937542 (VCV001937542.5), dbSNP rs747751803, ClinGen allele CA3889354.
Genomic context (GRCh38, chr6:73,466,522, plus strand): 5'-GTTTCAACTGGCATTTTCTTTTGACAGAAAGAAATCTTGAATACACCACTGCTTACTGTT[C>G]AGGAGGGAGCTGTAGAAGATCTTATTCTTACAGAACCAGAGCCTGAACACACTGGGAAAT-3'
Protein context (NP_036255.2, residues 141-161): EILNTPLLTV[Gln151Glu]EGAVEDLILT